The following is an entry in ClinVar:

NM_007194.4(CHEK2):c.1570G>A (p.Glu524Lys)

Gene: CHEK2 (checkpoint kinase 2; minus strand). Cytogenetic location: 22q12.1.
Variant type: single nucleotide variant.
Coding change: c.1570G>A on transcript NM_007194.4 (MANE Select); coding-DNA position 1570, G replaced by A.
Protein change: p.Glu524Lys; replaces glutamic acid 524 with lysine.
Molecular consequence: missense variant.
Genome position (GRCh38, 1-based): chr22:28,687,959, C>T on the plus strand (G>A on the coding strand, the complement: CHEK2 is on the minus strand). VCF-style: chr22-28687959-C-T. GRCh37 (hg19) VCF-style: chr22-29083947-C-T.
Other names: c.1699G>A, p.Glu567Lys (NM_001005735.3); c.907G>A, p.Glu303Lys (NM_001257387.3); c.1369G>A, p.Glu457Lys (NM_001349956.3); c.1483G>A, p.Glu495Lys (NM_145862.3); short protein forms E524K, E457K, E303K, E495K, E567K.
Identifiers: ClinVar variation 230966 (VCV000230966.23), dbSNP rs876658872, ClinGen allele CA10581022.
Genomic context (GRCh38, chr22:28,687,959, plus strand): 5'-ACAACACAGCAGCACACACAGCTGGGCGCTTTGTGGTCTCGGCACCCTCGGCTTCCCCTT[C>T]ACGGGGCCGCTTTCGACTAGTAGAAGGCTGAAAATAAAGGAAAATGGAGAAATGTTCAAA-3'
Protein context (NP_009125.1, residues 514-534): QPSTSRKRPR[Glu524Lys]GEAEGAETTK

ClinVar aggregate classification (germline): Uncertain significance. Review status: criteria provided, multiple submitters, no conflicts (2 of 4 stars). 6 submissions from 6 submitters: Uncertain significance (6). Last evaluated 2025-03-04.

Conditions:
Hereditary cancer-predisposing syndrome. Also called: Neoplastic Syndromes, Hereditary; Tumor predisposition; Hereditary Cancer Syndrome; Hereditary neoplastic syndrome. Identifiers: Orphanet 140162, MedGen C0027672, MeSH D009386, MONDO:0015356.
Familial cancer of breast. Also called: BREAST CANCER, FAMILIAL; hereditary breast carcinoma; Hereditary breast cancer. Identifiers: Orphanet 227535, MedGen C0346153, MONDO:0016419, OMIM 114480. Disease mechanism: loss of function.
CHEK2-related cancer predisposition (TPDS4). Also called: CHEK2-related cancer susceptibility; TUMOR PREDISPOSITION SYNDROME 4; CANCER PREDISPOSITION SYNDROME, CHEK2-RELATED. Identifiers: Orphanet 524, MedGen C5882668, MONDO:0700271, OMIM 609265.

Allele frequency attached by ClinVar (database versions not stated): TOPMed below 0.00001; gnomAD 0.00001.
gnomAD v4.1: 1 of 1,596,362 alleles (0.000063%); highest among the groups gnomAD compares: Middle Eastern, 0.023%; no homozygotes.

Submissions (6):

Center for Genomic Medicine, Rigshospitalet, Copenhagen University Hospital
Classification: Uncertain significance. Last evaluated: 2025-03-04. Review status: criteria provided, single submitter. Criteria: ACMG Guidelines, 2015. Collection method: clinical testing. Allele origin: germline.

Ambry Genetics
Classification: Uncertain significance for Hereditary cancer-predisposing syndrome. Last evaluated: 2024-12-27. Review status: criteria provided, single submitter. Criteria: Ambry Variant Classification Scheme 2023. Collection method: clinical testing. Allele origin: germline.
Comment: The p.E524K variant (also known as c.1570G>A), located in coding exon 14 of the CHEK2 gene, results from a G to A substitution at nucleotide position 1570. The glutamic acid at codon 524 is replaced by lysine, an amino acid with similar properties. In one study, this alteration was identified in 1/1197 breast cancer patients who underwent genetic testing and counseling (Abdel-Razeq H et al. Front Oncol, 2022 Mar;12:673094). This amino acid position is well conserved in available vertebrate species. In addition, this alteration is predicted to be tolerated by in silico analysis. Based on the available evidence, the clinical significance of this variant remains unclear.

Labcorp Genetics (formerly Invitae), Labcorp
Classification: Uncertain significance for Familial cancer of breast. Last evaluated: 2024-11-22. Review status: criteria provided, single submitter. Criteria: Invitae Variant Classification Sherloc (09022015). Collection method: clinical testing. Allele origin: germline.
Comment: This sequence change replaces glutamic acid, which is acidic and polar, with lysine, which is basic and polar, at codon 524 of the CHEK2 protein (p.Glu524Lys). This variant is not present in population databases (gnomAD no frequency). This variant has not been reported in the literature in individuals affected with CHEK2-related conditions. ClinVar contains an entry for this variant (Variation ID: 230966). An algorithm developed to predict the effect of missense changes on protein structure and function outputs the following: PolyPhen-2: "Benign". The lysine amino acid residue is found in multiple mammalian species, which suggests that this missense change does not adversely affect protein function. In summary, the available evidence is currently insufficient to determine the role of this variant in disease. Therefore, it has been classified as a Variant of Uncertain Significance.

Baylor Genetics
Classification: Uncertain significance for Familial cancer of breast. Last evaluated: 2023-07-26. Review status: criteria provided, single submitter. Criteria: ACMG Guidelines, 2015. Collection method: clinical testing. Allele origin: unknown.

Women's Health and Genetics/Laboratory Corporation of America, LabCorp
Classification: Uncertain significance. Last evaluated: 2022-05-21. Review status: criteria provided, single submitter. Criteria: LabCorp Variant Classification Summary - May 2015. Collection method: clinical testing. Allele origin: germline.

Illumina Laboratory Services, Illumina
Classification: Uncertain significance for CHEK2-Related Cancer Susceptibility. Last evaluated: 2018-01-13. Review status: criteria provided, single submitter. Criteria: ICSL Variant Classification Criteria 13 December 2019. Collection method: clinical testing. Allele origin: germline.

Literature cited by the submitters: PubMed 35402282 (cited by Ambry Genetics).